The following is an entry in ClinVar:

NM_001035.3(RYR2):c.10324-9G>T

Gene: RYR2 (ryanodine receptor 2; plus strand). Cytogenetic location: 1q43.
Variant type: single nucleotide variant.
Coding change: c.10324-9G>T on transcript NM_001035.3 (MANE Select); 9 bases into the intron before coding-DNA position 10324, G replaced by T.
Molecular consequence: intron variant.
Genome position (GRCh38, 1-based): chr1:237,717,189, G>T. VCF-style: chr1-237717189-G-T. GRCh37 (hg19) VCF-style: chr1-237880489-G-T.
Identifiers: ClinVar variation 2774370 (VCV002774370.2), dbSNP rs1238809463, ClinGen allele CA2697547746.

ClinVar aggregate classification (germline): Uncertain significance (1 of 4 stars; one submission).

Conditions:
Cardiomyopathy (CMYO). Also called: Cardiomyopathies. Identifiers: Orphanet 167848, MedGen C0878544, MONDO:0004994, HP:0001638. Inheritance: Various modes of inheritance.

Submission:

Color Diagnostics, LLC DBA Color Health
Classification: Uncertain significance for Cardiomyopathy. Last evaluated: 2023-01-23. Review status: criteria provided, single submitter. Criteria: ACMG Guidelines, 2015. Collection method: clinical testing. Allele origin: germline.
Comment: This variant causes a G to T nucleotide substitution at the -9 position of intron 71 of the RYR2 gene. To our knowledge, functional studies have not been reported for this variant. This variant has not been reported in individuals affected with RYR2-related disorders in the literature. This variant has not been identified in the general population by the Genome Aggregation Database (gnomAD). The available evidence is insufficient to determine the role of this variant in disease conclusively. Therefore, this variant is classified as a Variant of Uncertain Significance.